The following is an entry in ClinVar:

ClinVar aggregate classification (germline): Conflicting classifications of pathogenicity. Review status: criteria provided, conflicting classifications (1 of 4 stars). 3 submissions from 3 submitters: Uncertain significance (2); Likely benign (1). Last evaluated 2025-09-22.

Conditions:
46,XY sex reversal 6. Also called: 46,XY SEX REVERSAL, PARTIAL OR COMPLETE, MAP3K1-RELATED; 46,XY GONADAL DYSGENESIS, PARTIAL OR COMPLETE, MAP3K1-RELATED. Identifiers: MedGen C3151064, MONDO:0013410, OMIM 613762.

Allele frequency attached by ClinVar (database versions not stated): TOPMed 0.00004; ExAC 0.00005; gnomAD exomes 0.00006; gnomAD 0.00007 and 0.00008.
gnomAD v4.1: 93 of 1,613,862 alleles (0.0058%); highest among the groups gnomAD compares: Non-Finnish European, 0.0075%; no homozygotes.

Submissions (3):

Labcorp Genetics (formerly Invitae), Labcorp
Classification: Uncertain significance for 46,XY sex reversal 6. Last evaluated: 2025-09-22. Review status: criteria provided, single submitter. Criteria: Invitae Variant Classification Sherloc (09022015). Collection method: clinical testing. Allele origin: germline.
Comment: This sequence change replaces glutamic acid, which is acidic and polar, with lysine, which is basic and polar, at codon 504 of the MAP3K1 protein (p.Glu504Lys). This variant is present in population databases (rs764525244, gnomAD 0.02%), and has an allele count higher than expected for a pathogenic variant. This missense change has been observed in individual(s) with gonadal dysplasia (PMID: 33481368). ClinVar contains an entry for this variant (Variation ID: 931588). Invitae Evidence Modeling of protein sequence and biophysical properties (such as structural, functional, and spatial information, amino acid conservation, physicochemical variation, residue mobility, and thermodynamic stability) indicates that this missense variant is not expected to disrupt MAP3K1 protein function with a negative predictive value of 80%. In summary, the available evidence is currently insufficient to determine the role of this variant in disease. Therefore, it has been classified as a Variant of Uncertain Significance.

Laboratory of Genetics, Children's Clinical University Hospital Latvia
Classification: Likely benign. Last evaluated: 2025-02-16. Review status: criteria provided, single submitter. Criteria: ACMG Guidelines, 2015. Collection method: clinical testing. Allele origin: germline. Affected: yes.

Centre for Mendelian Genomics, University Medical Centre Ljubljana
Classification: Uncertain significance for 46,XY sex reversal 6. Last evaluated: 2019-09-23. Review status: criteria provided, single submitter. Criteria: ACMG Guidelines, 2015. Collection method: clinical testing. Allele origin: unknown. Affected: yes.
Comment: This variant was classified as: Uncertain significance. The available evidence favors the benign nature of this variant, however the evidence is insufficent to prove its benign nature. The following ACMG criteria were applied in classifying this variant: BS2.

Literature cited by the submitters: PubMed 33481368 (cited by Labcorp Genetics (formerly Invitae), Labcorp).

NM_005921.2(MAP3K1):c.1510G>A (p.Glu504Lys)

Gene: MAP3K1 (mitogen-activated protein kinase kinase kinase 1; plus strand). Cytogenetic location: 5q11.2.
Variant type: single nucleotide variant.
Coding change: c.1510G>A on transcript NM_005921.2 (MANE Select); coding-DNA position 1510, G replaced by A.
Protein change: p.Glu504Lys; replaces glutamic acid 504 with lysine.
Molecular consequence: missense variant.
Genome position (GRCh38, 1-based): chr5:56,872,829, G>A. VCF-style: chr5-56872829-G-A. GRCh37 (hg19) VCF-style: chr5-56168656-G-A.
Other names: short protein forms E504K.
Identifiers: ClinVar variation 931588 (VCV000931588.8), dbSNP rs764525244, ClinGen allele CA3272791.